The following is an entry in ClinVar:

ClinVar aggregate classification (germline): Pathogenic (1 of 4 stars; one submission).

gnomAD v4.1: 4 of 1,613,930 alleles (0.00025%); highest among the groups gnomAD compares: East Asian, 0.0022%; no homozygotes.

Submission:

Labcorp Genetics (formerly Invitae), Labcorp
Classification: Pathogenic. Last evaluated: 2024-11-10. Review status: criteria provided, single submitter. Criteria: Invitae Variant Classification Sherloc (09022015). Collection method: clinical testing. Allele origin: germline.
Comment: This sequence change creates a premature translational stop signal (p.Arg260*) in the CDK5RAP2 gene. It is expected to result in an absent or disrupted protein product. Loss-of-function variants in CDK5RAP2 are known to be pathogenic (PMID: 15793586, 20460369, 26436113). This variant is present in population databases (rs767127554, gnomAD 0.006%). This variant has not been reported in the literature in individuals affected with CDK5RAP2-related conditions. For these reasons, this variant has been classified as Pathogenic.

Literature cited by the submitters: PubMed 15793586; PubMed 20460369; PubMed 26436113.

NM_018249.6(CDK5RAP2):c.778C>T (p.Arg260Ter)

Gene: CDK5RAP2 (CDK5 regulatory subunit associated protein 2; minus strand). Cytogenetic location: 9q33.2.
Variant type: single nucleotide variant.
Coding change: c.778C>T on transcript NM_018249.6 (MANE Select); coding-DNA position 778, C replaced by T.
Protein change: p.Arg260Ter; replaces arginine 260 with a stop codon.
Molecular consequence: nonsense. On other transcripts: non-coding transcript variant (5).
Genome position (GRCh38, 1-based): chr9:120,530,025, G>A on the plus strand (C>T on the coding strand, the complement: CDK5RAP2 is on the minus strand). VCF-style: chr9-120530025-G-A. GRCh37 (hg19) VCF-style: chr9-123292303-G-A.
Other names: c.778C>T, p.Arg260Ter (NM_001011649.3, NM_001272039.2, NM_001410992.1 and 2 more transcripts); short protein forms R260*.
Identifiers: ClinVar variation 3699479 (VCV003699479.2).
Genomic context (GRCh38, chr9:120,530,025, plus strand): 5'-CCTGTCACCTCACCTCAGTTTCTCTCTCCTTTTCTTCCCTTGGAGCAGCACAAAGTCCTC[G>A]GAGCTCTCCAGATGACACATTCTCATCAGGACATGCCATCTGAGATTTCTCCTCTTTAAG-3'